The following continues an entry in ClinVar:

NM_021971.4(GMPPB):c.860G>A (p.Arg287Gln)

Gene: GMPPB. ClinVar aggregate classification (germline): Pathogenic/Likely pathogenic. Pathogenic (21); Likely pathogenic (1).

Submissions 9 to 25 of 25:

Victorian Clinical Genetics Services, Murdoch Childrens Research Institute
Classification: Pathogenic for Muscular dystrophy-dystroglycanopathy (congenital with impaired intellectual development), type B, 14. Last evaluated: 2023-07-17. Review status: criteria provided, single submitter. Criteria: ACMG Guidelines, 2015. Collection method: clinical testing. Allele origin: germline. Inheritance: Autosomal recessive inheritance. Affected: yes.
Comment: Based on the classification scheme VCGS_Germline_v1.3.4, this variant is classified as Pathogenic. Following criteria are met: 0102 - Loss of function is a known mechanism of disease in this gene and is associated with muscular dystrophy-dystroglycanopathy (congenital with brain and eye anomalies), type A, 14 (MIM#615350), muscular dystrophy-dystroglycanopathy (congenital with impaired intellectual development), type B, 14 (MIM#615351), and muscular dystrophy-dystroglycanopathy (limb-girdle), type C, 14 (MIM#615352). (I) 0106 - This gene is associated with autosomal recessive disease. (I) 0200 - Variant is predicted to result in a missense amino acid change from arginine to glutamine. (I) 0252 - This variant is homozygous. (I) 0304 - Variant is present in gnomAD (v2) <0.01 for a recessive condition (78 heterozygotes, 0 homozygotes). (SP) 0309 - An alternative amino acid change at the same position has been observed in gnomAD (v2) (28 heterozygotes, 0 homozygotes). (I) 0503 - Missense variant consistently predicted to be tolerated by multiple in silico tools or not conserved in placental mammals with a minor amino acid change. (SB) 0604 - Variant is not located in an established domain, motif, hotspot or informative constraint region. (I) 0801 - This variant has strong previous evidence of pathogenicity in unrelated individuals. This variant has been reported many times as pathogenic, and observed in compound heterozygous individuals with limb girdle muscular dystrophy (MD), congenital MD with intellectual disability or MD dystroglycanopathy (PMID: 30684953, ClinVar). (I) Legend: (SP) - Supporting pathogenic, (I) - Information, (SB) - Supporting benign

Duke University Health System Sequencing Clinic, Duke University Health System
Classification: Pathogenic for Muscular dystrophy-dystroglycanopathy (congenital with brain and eye anomalies), type A14. Last evaluated: 2023-04-20. Review status: criteria provided, single submitter. Criteria: ACMG Guidelines, 2015. Collection method: research. Allele origin: maternal. Affected: yes.

Revvity Omics, Revvity
Classification: Likely pathogenic. Last evaluated: 2023-04-10. Review status: criteria provided, single submitter. Criteria: ACMG Guidelines, 2015. Collection method: clinical testing. Allele origin: germline.

Department of Pathology and Laboratory Medicine, Sinai Health System
Classification: Pathogenic for Muscular dystrophy-dystroglycanopathy (congenital with impaired intellectual development), type B, 14; Autosomal recessive limb-girdle muscular dystrophy type 2T; Muscular dystrophy-dystroglycanopathy (congenital with brain and eye anomalies), type A14. Last evaluated: 2023-01-31. Review status: criteria provided, single submitter. Criteria: ACMG Guidelines, 2015. Collection method: research. Allele origin: germline.

Women's Health and Genetics/Laboratory Corporation of America, LabCorp
Classification: Pathogenic for GMPPB-Related Disorders. Last evaluated: 2023-01-26. Review status: criteria provided, single submitter. Criteria: LabCorp Variant Classification Summary - May 2015. Collection method: clinical testing. Allele origin: germline.
Comment: Variant summary: GMPPB c.860G>A (p.Arg287Gln) results in a conservative amino acid change in the encoded protein sequence. Four of five in-silico tools predict a benign effect of the variant on protein function. The variant allele was found at a frequency of 0.00029 in 249958 control chromosomes (gnomAD). c.860G>A has been reported in the literature in multiple individuals affected with congenital muscular dystrophy/alpha-dystroglycanopathy, including at least one family in which it segregated with the disease phenotype (e.g. Carrs_2013, Raphael_2014, Jensen_2015). These data indicate that the variant is very likely to be associated with disease. Functional experiments have shown that the variant has approximately 50% activity compared to the WT protein in an enzymatic activity assay and in vitro, results in the formation of aggregates, affecting the cellular localization of the protein (e.g. Carrs_2013, Liu_2021). Twelve submitters have provided clinical-significance assessments for this variant to ClinVar after 2014. The majority classified the variant as either pathogenic (n=10) or likely pathogenic (n=1), and one classified it as VUS. Based on the evidence outlined above, the variant was classified as pathogenic.

Ambry Genetics
Classification: Pathogenic for Inborn genetic diseases. Last evaluated: 2022-12-01. Review status: criteria provided, single submitter. Criteria: Ambry Variant Classification Scheme 2023. Collection method: clinical testing. Allele origin: germline.
Comment: The c.860G>A (p.R287Q) alteration is located in coding exon 8 of the GMPPB gene. This alteration results from a G to A substitution at nucleotide position 860, causing the arginine (R) at amino acid position 287 to be replaced by a glutamine (Q). Based on data from gnomAD, the A allele has an overall frequency of 0.028% (78/281352) total alleles studied. The highest observed frequency was 0.425% (44/10356) of Ashkenazi Jewish alleles. This variant has been reported in trans with a second alteration in the GMPPB gene in multiple individuals with clinical features of GMPPB-related dystroglycanopathies (Carss, 2013; Raphael, 2014; Belaya, 2015; Cabrera-Serrano, 2015; Jensen, 2015; Harris, 2017; Astrea, 2018; Sarkozy, 2018; Marinakis, 2021). In two families, both variants segregated with disease (Belaya, 2015; Raphael, 2014). In addition, this variant has been observed in homozygous individuals without clinical features of GMPPB-related dystroglycanopathies, suggesting it may be a mild allele (Ambry internal data). This amino acid position is not well conserved in available vertebrate species. Functional studies indicate this alteration mildly impairs enzymatic activity of GMPPB compared to other pathogenic alterations (Liu, 2021). In another study, functional analysis demonstrated that the p.R287Q alteration aggregated in the cytoplasm in transfected cells as well as decreased glycosylation of &alpha;-dystroglycan in muscle biopsies; however, a later study found that this variant had no effect on protein expression levels (Belaya, 2015; Carss, 2013). This alteration is predicted to be tolerated by in silico analysis. Based on the available evidence, this alteration is classified as pathogenic.

Dasa
Classification: Pathogenic for Muscular dystrophy-dystroglycanopathy (congenital with impaired intellectual development), type B, 14. Last evaluated: 2022-02-14. Review status: criteria provided, single submitter. Criteria: ACMG Guidelines, 2015. Collection method: clinical testing. Allele origin: germline. Affected: yes. Observed: 1 variant allele.
Comment: Well-established in vitro or in vivo functional studies supportive of a damaging effect on the gene or gene product (PMID: 26133662) - PS3_supporting. The c.860G>A;p.(Arg287Gln) missense variant has been observed in affected individual(s) and ClinVar contains an entry for this variant (PMID: 30257713; 29437916; 28877744; 27766311; 26310427; 26133662) - PS4. The variant is present at low allele frequencies population databases (rs202160208 - gnomAD 0.001905%; ABraOM no frequency) - PM2_supporting. The p.(Arg287Gln) was detected in trans with a pathogenic variant (PMID: 30257713; 29437916; 28877744; 26310427; 26133662) - PM3_strong. Pathogenic missense variant in this residue have been reported (Clinvar ID: 225925) - PM5. Multiple lines of computational evidence suggest no impact on gene orgene product - BP4. In summary, the currently available evidence indicates that the variant is pathogenic.

Mayo Clinic Laboratories, Mayo Clinic
Classification: Pathogenic. Last evaluated: 2021-08-20. Review status: criteria provided, single submitter. Criteria: ACMG Guidelines, 2015. Collection method: clinical testing. Allele origin: germline.
Comment: BP4, PP1, PM3, PM5, PS3, PS4_moderate

Laboratory of Medical Genetics, National & Kapodistrian University of Athens
Classification: Pathogenic for Autosomal recessive limb-girdle muscular dystrophy type 2T. Last evaluated: 2021-08-10. Review status: criteria provided, single submitter. Criteria: ACMG Guidelines, 2015. Collection method: clinical testing. Allele origin: paternal. Affected: yes.
Comment: PM2, PM5, PP2, PP5

Kariminejad - Najmabadi Pathology & Genetics Center
Classification: Pathogenic for Abnormality of the musculature. Last evaluated: 2021-07-10. Review status: criteria provided, single submitter. Criteria: ACMG Guidelines, 2015. Collection method: clinical testing. Allele origin: germline. Affected: yes.

New York Genome Center
Classification: Pathogenic for Muscular dystrophy-dystroglycanopathy (congenital with brain and eye anomalies), type A14; Muscular dystrophy-dystroglycanopathy (congenital with impaired intellectual development), type B, 14; Autosomal recessive limb-girdle muscular dystrophy type 2T. Last evaluated: 2020-06-05. Review status: criteria provided, single submitter. Criteria: NYGC Assertion Criteria 2020. Collection method: clinical testing. Allele origin: germline. Observed: 1 heterozygote. Study: CSER-NYCKidSeq.

Fulgent Genetics
Classification: Pathogenic for Muscular dystrophy-dystroglycanopathy (congenital with brain and eye anomalies), type A14; Muscular dystrophy-dystroglycanopathy (congenital with impaired intellectual development), type B, 14; Autosomal recessive limb-girdle muscular dystrophy type 2T. Last evaluated: 2018-10-31. Review status: criteria provided, single submitter. Criteria: ACMG Guidelines, 2015. Collection method: clinical testing. Allele origin: unknown.

CeGaT Center for Human Genetics Tuebingen
Classification: Pathogenic. Last evaluated: 2017-02-01. Review status: criteria provided, single submitter. Criteria: CeGaT Center For Human Genetics Tuebingen Variant Classification Criteria Version 2. Collection method: clinical testing. Allele origin: germline. Affected: yes. Observed: 1 variant allele.

HudsonAlpha Institute for Biotechnology
Classification: Pathogenic for Autosomal recessive limb-girdle muscular dystrophy type 2T. Last evaluated: 2015-01-13. Review status: criteria provided, single submitter. Criteria: HA_assertions_20161101. Collection method: research. Allele origin: maternal. Affected: yes. Observed: 1 variant allele. Study: CSER-HudsonAlpha.

OMIM
Classification: Pathogenic for MUSCULAR DYSTROPHY-DYSTROGLYCANOPATHY (CONGENITAL WITH IMPAIRED INTELLECTUAL DEVELOPMENT), TYPE B, 14. Last evaluated: 2013-07-11. Review status: no assertion criteria provided. Collection method: literature only. Allele origin: germline. Not counted in ClinVar's aggregate classification.

Genomics England Pilot Project, Genomics England
Classification: Likely pathogenic for Muscular dystrophy-dystroglycanopathy (congenital with brain and eye anomalies), type A14. Review status: no assertion criteria provided. Criteria: ACGS Guidelines, 2016. Collection method: clinical testing. Allele origin: germline. Affected: yes. Not counted in ClinVar's aggregate classification.

Genomic Medicine Center of Excellence, King Faisal Specialist Hospital and Research Centre
Classification: Uncertain significance for Muscular dystrophy-dystroglycanopathy (congenital with brain and eye anomalies), type A14. Last evaluated: 2024-03-25. Review status: flagged submission. Criteria: ACMG Guidelines, 2015. Collection method: clinical testing. Allele origin: germline. Not counted in ClinVar's aggregate classification.
ClinVar note: Reason: Outlier claim with insufficient supporting evidence

Literature cited by the submitters: PubMed 26133662 (cited by 6 submitters); PubMed 30257713 (cited by 3 submitters); PubMed 24780531 (cited by 5 submitters); PubMed 28877744 (cited by 4 submitters); PubMed 29437916 (cited by 3 submitters); PubMed 26310427 (cited by 5 submitters); PubMed 23768512 (cited by 6 submitters); PubMed 27766311 (cited by Labcorp Genetics (formerly Invitae), Labcorp and Dasa); PubMed 27874200 (cited by Labcorp Genetics (formerly Invitae), Labcorp); PubMed 28478914 (cited by Labcorp Genetics (formerly Invitae), Labcorp); PubMed 30684953 (cited by Victorian Clinical Genetics Services, Murdoch Childrens Research Institute); PubMed 35006422 (cited by Women's Health and Genetics/Laboratory Corporation of America, LabCorp and Ambry Genetics); PubMed 25681410 (cited by Ambry Genetics and Mayo Clinic Laboratories, Mayo Clinic); PubMed 28554332 (cited by Ambry Genetics and Mayo Clinic Laboratories, Mayo Clinic); PubMed 34008892 (cited by Ambry Genetics and Laboratory of Medical Genetics, National & Kapodistrian University of Athens); PubMed 31980526 (cited by Mayo Clinic Laboratories, Mayo Clinic).